The following is an entry in ClinVar:

NM_004946.3(DOCK2):c.1132+6G>A

Gene: DOCK2 (dedicator of cytokinesis 2; plus strand). Cytogenetic location: 5q35.1.
Variant type: single nucleotide variant.
Coding change: c.1132+6G>A on transcript NM_004946.3 (MANE Select); 6 bases into the intron after coding-DNA position 1132, G replaced by A.
Molecular consequence: intron variant.
Genome position (GRCh38, 1-based): chr5:169,699,464, G>A. VCF-style: chr5-169699464-G-A. GRCh37 (hg19) VCF-style: chr5-169126468-G-A.
Identifiers: ClinVar variation 1965118 (VCV001965118.3), dbSNP rs2532561596, ClinGen allele CA2580074012.

ClinVar aggregate classification (germline): Uncertain significance (1 of 4 stars; one submission).

Conditions:
DOCK2 deficiency. Also called: Immunodeficiency 40. Identifiers: Orphanet 447737, MedGen C4225328, MONDO:0014637, OMIM 616433.

gnomAD v4.1: 3 of 1,611,366 alleles (0.00019%); highest among the groups gnomAD compares: South Asian, 0.0033%; no homozygotes.

Submission:

Labcorp Genetics (formerly Invitae), Labcorp
Classification: Uncertain significance for DOCK2 deficiency. Last evaluated: 2025-12-08. Review status: criteria provided, single submitter. Criteria: Invitae Variant Classification Sherloc (09022015). Collection method: clinical testing. Allele origin: germline.
Comment: This sequence change falls in intron 12 of the DOCK2 gene. It does not directly change the encoded amino acid sequence of the DOCK2 protein. It affects a nucleotide within the consensus splice site. This variant is not present in population databases (gnomAD no frequency). This variant has not been reported in the literature in individuals affected with DOCK2-related conditions. ClinVar contains an entry for this variant (Variation ID: 1965118). Variants that disrupt the consensus splice site are a relatively common cause of aberrant splicing (PMID: 17576681, 9536098). Algorithms developed to predict the effect of sequence changes on RNA splicing suggest that this variant is not likely to affect RNA splicing. In summary, the available evidence is currently insufficient to determine the role of this variant in disease. Therefore, it has been classified as a Variant of Uncertain Significance.

Literature cited by the submitters: PubMed 17576681; PubMed 9536098.